The following is an entry in ClinVar:

ClinVar aggregate classification (germline): Uncertain significance (1 of 4 stars; one submission).

Conditions:
Hypertrophic cardiomyopathy. Also called: HYPERTROPHIC MYOCARDIOPATHY. Identifiers: Orphanet 217569, MedGen C0007194, MeSH D002312, MONDO:0005045, HP:0001639.

Submission:

All of Us Research Program, National Institutes of Health
Classification: Uncertain significance for Hypertrophic cardiomyopathy. Last evaluated: 2024-03-24. Review status: criteria provided, single submitter. Criteria: ACMG Guidelines, 2015. Collection method: clinical testing. Allele origin: germline. Inheritance: Autosomal dominant inheritance. Observed: 1 variant allele, 1 heterozygote.
Comment: This missense variant replaces glycine with alanine at codon 46 of the MYBPC3 protein. Computational prediction suggests that this variant may not impact protein structure and function (internally defined REVEL score threshold <= 0.5, PMID: 27666373). To our knowledge, functional studies have not been reported for this variant. This variant has not been reported in individuals affected with MYBPC3-related disorders in the literature. This variant has not been identified in the general population by the Genome Aggregation Database (gnomAD). The available evidence is insufficient to determine the role of this variant in disease conclusively. Therefore, this variant is classified as a Variant of Uncertain Significance.

This study involves interpretation of variants in research participants for the purpose of population health screening. Participant phenotype was not available at the time of variant classification. Additional details can be found in publication PMID: 35346344, PMCID: PMC8962531

NM_000256.3(MYBPC3):c.137G>C (p.Gly46Ala)

Gene: MYBPC3 (myosin binding protein C3; minus strand). Cytogenetic location: 11p11.2.
Variant type: single nucleotide variant.
Coding change: c.137G>C on transcript NM_000256.3 (MANE Select); coding-DNA position 137, G replaced by C.
Protein change: p.Gly46Ala; replaces glycine 46 with alanine.
Molecular consequence: missense variant.
Genome position (GRCh38, 1-based): chr11:47,351,394, C>G on the plus strand (G>C on the coding strand, the complement: MYBPC3 is on the minus strand). VCF-style: chr11-47351394-C-G. GRCh37 (hg19) VCF-style: chr11-47372945-C-G.
Other names: short protein forms G46A.
Identifiers: ClinVar variation 3387155 (VCV003387155.1).